The following is an entry in ClinVar:

ClinVar aggregate classification (germline): Uncertain significance (1 of 4 stars; one submission).

Conditions:
Leigh syndrome (NULS). Also called: Leigh Syndrome (mtDNA deletion); Leigh's necrotizing encephalopathy; Leigh's disease; Leigh's syndrome; LEIGH SYNDROME, NUCLEAR; Leigh Disease. Identifiers: Orphanet 506, MedGen C2931891, MONDO:0009723, OMIM 256000.

Allele frequency attached by ClinVar (database versions not stated): gnomAD exomes 0.00001.
gnomAD v4.1: 3 of 1,613,854 alleles (0.00019%); highest among the groups gnomAD compares: South Asian, 0.0033%; no homozygotes.

Submission:

Labcorp Genetics (formerly Invitae), Labcorp
Classification: Uncertain significance for Leigh syndrome. Last evaluated: 2025-02-05. Review status: criteria provided, single submitter. Criteria: Invitae Variant Classification Sherloc (09022015). Collection method: clinical testing. Allele origin: germline.
Comment: This sequence change replaces proline, which is neutral and non-polar, with leucine, which is neutral and non-polar, at codon 136 of the SURF1 protein (p.Pro136Leu). This variant is not present in population databases (gnomAD no frequency). This variant has not been reported in the literature in individuals affected with SURF1-related conditions. ClinVar contains an entry for this variant (Variation ID: 2057505). Invitae Evidence Modeling of protein sequence and biophysical properties (such as structural, functional, and spatial information, amino acid conservation, physicochemical variation, residue mobility, and thermodynamic stability) has been performed for this missense variant. However, the output from this modeling did not meet the statistical confidence thresholds required to predict the impact of this variant on SURF1 protein function. In summary, the available evidence is currently insufficient to determine the role of this variant in disease. Therefore, it has been classified as a Variant of Uncertain Significance.

NM_003172.4(SURF1):c.407C>T (p.Pro136Leu)

Gene: SURF1 (SURF1 cytochrome c oxidase assembly factor; minus strand). Cytogenetic location: 9q34.2.
Variant type: single nucleotide variant.
Coding change: c.407C>T on transcript NM_003172.4 (MANE Select); coding-DNA position 407, C replaced by T.
Protein change: p.Pro136Leu; replaces proline 136 with leucine.
Molecular consequence: missense variant.
Genome position (GRCh38, 1-based): chr9:133,353,857, G>A on the plus strand (C>T on the coding strand, the complement: SURF1 is on the minus strand). VCF-style: chr9-133353857-G-A. GRCh37 (hg19) VCF-style: chr9-136220712-G-A.
Other names: c.80C>T, p.Pro27Leu (NM_001280787.1); short protein forms P136L, P27L.
Identifiers: ClinVar variation 2057505 (VCV002057505.2), dbSNP rs2490619836, ClinGen allele CA375694332.